The following is an entry in ClinVar:

NM_020066.5(FMN2):c.2260G>T (p.Val754Leu)

Gene: FMN2 (formin 2; plus strand). Cytogenetic location: 1q43.
Variant type: single nucleotide variant.
Coding change: c.2260G>T on transcript NM_020066.5 (MANE Select); coding-DNA position 2260, G replaced by T.
Protein change: p.Val754Leu; replaces valine 754 with leucine.
Molecular consequence: missense variant. On other transcripts: intron variant (1).
Genome position (GRCh38, 1-based): chr1:240,207,072, G>T. VCF-style: chr1-240207072-G-T. GRCh37 (hg19) VCF-style: chr1-240370372-G-T.
Other names: c.2272G>T, p.Val758Leu (NM_001305424.2); c.1986+18810G>T (NM_001348094.2); short protein forms V754L, V758L.
Identifiers: ClinVar variation 2228737 (VCV002228737.2), dbSNP rs777477507, ClinGen allele CA1476588.

ClinVar aggregate classification (germline): Uncertain significance (1 of 4 stars; one submission).

Conditions:
Inborn genetic diseases. Identifiers: MedGen C0950123, MeSH D030342.

Allele frequency attached by ClinVar (database versions not stated): ExAC 0.00001; gnomAD 0.00001; TOPMed 0.00001.
gnomAD v4.1: 5 of 1,614,008 alleles (0.00031%); highest among the groups gnomAD compares: Admixed American, 0.0083%; no homozygotes.

Submission:

Ambry Genetics
Classification: Uncertain significance for Inborn genetic diseases. Last evaluated: 2021-01-11. Review status: criteria provided, single submitter. Criteria: Ambry Variant Classification Scheme 2023. Collection method: clinical testing. Allele origin: germline.
Comment: The c.2260G>T (p.V754L) alteration is located in exon 5 (coding exon 5) of the FMN2 gene. This alteration results from a G to T substitution at nucleotide position 2260, causing the valine (V) at amino acid position 754 to be replaced by a leucine (L). The p.V754L alteration is predicted to be tolerated by in silico analysis. Based on insufficient or conflicting evidence, the clinical significance of this alteration remains unclear.